The following is an entry in ClinVar:

NM_015509.4(NECAP1):c.706C>T (p.Pro236Ser)

Gene: NECAP1 (NECAP endocytosis associated 1; plus strand). Cytogenetic location: 12p13.31.
Variant type: single nucleotide variant.
Coding change: c.706C>T on transcript NM_015509.4 (MANE Select); coding-DNA position 706, C replaced by T.
Protein change: p.Pro236Ser; replaces proline 236 with serine.
Molecular consequence: missense variant. On other transcripts: non-coding transcript variant (1).
Genome position (GRCh38, 1-based): chr12:8,095,630, C>T. VCF-style: chr12-8095630-C-T. GRCh37 (hg19) VCF-style: chr12-8248226-C-T.
Other names: short protein forms P236S.
Identifiers: ClinVar variation 1972958 (VCV001972958.4), dbSNP rs201797163, ClinGen allele CA6432343.

ClinVar aggregate classification (germline): Conflicting classifications of pathogenicity. Review status: criteria provided, conflicting classifications (1 of 4 stars). 2 submissions from 2 submitters: Uncertain significance (1); Likely benign (1). Last evaluated 2026-06-15.

Conditions:
Inborn genetic diseases. Identifiers: MedGen C0950123, MeSH D030342.
Developmental and epileptic encephalopathy, 21 (DEE21). Also called: Early infantile epileptic encephalopathy 21. Identifiers: Orphanet 442835, MedGen C4014430, MONDO:0014360, OMIM 615833.

Allele frequency attached by ClinVar (database versions not stated): 1000 Genomes Project 0.00020; TOPMed 0.00004; ExAC 0.00004; 1000 Genomes Project 30x 0.00016; gnomAD exomes 0.00002; gnomAD 0.00004.
gnomAD v4.1: 43 of 1,613,558 alleles (0.0027%); highest among the groups gnomAD compares: East Asian, 0.074%; no homozygotes.

Submissions (2):

Ambry Genetics
Classification: Likely benign for Inborn genetic diseases. Last evaluated: 2026-06-15. Review status: criteria provided, single submitter. Criteria: Ambry Variant Classification Scheme 2023. Collection method: clinical testing. Allele origin: germline.

Labcorp Genetics (formerly Invitae), Labcorp
Classification: Uncertain significance for Developmental and epileptic encephalopathy, 21. Last evaluated: 2022-05-10. Review status: criteria provided, single submitter. Criteria: Invitae Variant Classification Sherloc (09022015). Collection method: clinical testing. Allele origin: germline.
Comment: This sequence change replaces proline, which is neutral and non-polar, with serine, which is neutral and polar, at codon 236 of the NECAP1 protein (p.Pro236Ser). This variant is present in population databases (rs201797163, gnomAD 0.07%). This variant has not been reported in the literature in individuals affected with NECAP1-related conditions. Algorithms developed to predict the effect of missense changes on protein structure and function are either unavailable or do not agree on the potential impact of this missense change (SIFT: "Deleterious"; PolyPhen-2: "Benign"; Align-GVGD: "Class C0"). In summary, the available evidence is currently insufficient to determine the role of this variant in disease. Therefore, it has been classified as a Variant of Uncertain Significance.